The following is an entry in ClinVar:

NM_001401501.2(MUC16):c.43089C>T (p.Asn14363=)

Gene: MUC16 (mucin 16, cell surface associated; minus strand). Cytogenetic location: 19p13.2.
Variant type: single nucleotide variant.
Coding change: c.43089C>T on transcript NM_001401501.2 (MANE Select); coding-DNA position 43089, C replaced by T.
Protein change: p.Asn14363=; no amino-acid change (asparagine 14363 retained).
Molecular consequence: synonymous variant.
Genome position (GRCh38, 1-based): chr19:8,889,518, G>A on the plus strand (C>T on the coding strand, the complement: MUC16 is on the minus strand). VCF-style: chr19-8889518-G-A. GRCh37 (hg19) VCF-style: chr19-9000194-G-A.
Other names: c.43515C>T, p.Asn14505= (NM_001414686.1); c.42969C>T, p.Asn14323= (NM_001414687.1); c.40563C>T, p.Asn13521= (NM_024690.2).
Identifiers: ClinVar variation 3059742 (VCV003059742.2), dbSNP rs1295951744, ClinGen allele CA505284471.

ClinVar aggregate classification (germline): Likely benign (0 of 4 stars; one submission).

Conditions:
MUC16-related disorder. Also called: MUC16-related condition.

Allele frequency attached by ClinVar (database versions not stated): 1000 Genomes Project 30x 0.04435.

Submission:

PreventionGenetics, part of Exact Sciences
Classification: Likely benign for MUC16-related condition. Last evaluated: 2019-10-18. Review status: no assertion criteria provided. Collection method: clinical testing. Allele origin: germline.
Comment: This variant is classified as likely benign based on ACMG/AMP sequence variant interpretation guidelines (Richards et al. 2015 PMID: 25741868, with internal and published modifications).